The following is an entry in ClinVar:

ClinVar aggregate classification (germline): Uncertain significance. Review status: criteria provided, multiple submitters, no conflicts (2 of 4 stars). 5 submissions from 5 submitters: Uncertain significance (5). Last evaluated 2024-11-25.

Conditions:
Autosomal recessive nonsyndromic hearing loss 30. Identifiers: Orphanet 90636, MedGen C1846784, MONDO:0011774, OMIM 607101.

Allele frequency attached by ClinVar (database versions not stated): TOPMed 0.00002; gnomAD 0.00003; gnomAD exomes 0.00004 and 0.00006; ExAC 0.00006; 1000 Genomes Project 30x 0.00016; 1000 Genomes Project 0.00020.
gnomAD v4.1: 72 of 1,612,272 alleles (0.0045%); highest among the groups gnomAD compares: Middle Eastern, 0.033%; no homozygotes.

Submissions (5):

Blueprint Genetics
Classification: Uncertain significance. Last evaluated: 2024-11-25. Review status: criteria provided, single submitter. Criteria: ACMG Guidelines, 2015. Collection method: clinical testing. Allele origin: germline.

GeneDx
Classification: Uncertain significance. Last evaluated: 2024-05-16. Review status: criteria provided, single submitter. Criteria: GeneDx Variant Classification Process June 2021. Collection method: clinical testing. Allele origin: germline. Affected: yes.
Comment: In silico analysis supports a deleterious effect on splicing; Has not been previously published as pathogenic or benign to our knowledge

Labcorp Genetics (formerly Invitae), Labcorp
Classification: Uncertain significance. Last evaluated: 2023-03-04. Review status: criteria provided, single submitter. Criteria: Invitae Variant Classification Sherloc (09022015). Collection method: clinical testing. Allele origin: germline.
Comment: In summary, the available evidence is currently insufficient to determine the role of this variant in disease. Therefore, it has been classified as a Variant of Uncertain Significance. ClinVar contains an entry for this variant (Variation ID: 228979). This sequence change falls in intron 19 of the MYO3A gene. It does not directly change the encoded amino acid sequence of the MYO3A protein. This variant is present in population databases (rs200205050, gnomAD 0.02%). This variant has not been reported in the literature in individuals affected with MYO3A-related conditions. Algorithms developed to predict the effect of sequence changes on RNA splicing suggest that this variant may disrupt the consensus splice site.

Illumina Laboratory Services, Illumina
Classification: Uncertain significance for Autosomal recessive nonsyndromic hearing loss 30. Last evaluated: 2018-01-13. Review status: criteria provided, single submitter. Criteria: ICSL Variant Classification Criteria 13 December 2019. Collection method: clinical testing. Allele origin: germline.

Laboratory for Molecular Medicine, Mass General Brigham Personalized Medicine
Classification: Uncertain significance. Last evaluated: 2015-12-31. Review status: criteria provided, single submitter. Criteria: LMM Criteria. Collection method: clinical testing. Allele origin: germline. Observed: 1 variant allele.
Comment: The c.2115-10A>C variant in MYO3A has not been previously reported in individual s with hearing loss or in large population studies. This variant is located in t he 3' splice region. Computational tools do not suggest an impact to splicing. H owever, this information is not predictive enough to rule out pathogenicity. In summary, the clinical significance of the c.2115-10A>C variant is uncertain.

NM_017433.5(MYO3A):c.2115-10A>G

Gene: MYO3A (myosin IIIA; plus strand). Cytogenetic location: 10p12.1.
Variant type: single nucleotide variant.
Coding change: c.2115-10A>G on transcript NM_017433.5 (MANE Select); 10 bases into the intron before coding-DNA position 2115, A replaced by G.
Molecular consequence: intron variant.
Genome position (GRCh38, 1-based): chr10:26,128,381, A>G. VCF-style: chr10-26128381-A-G. GRCh37 (hg19) VCF-style: chr10-26417310-A-G.
Identifiers: ClinVar variation 228979 (VCV000228979.13), dbSNP rs200205050, ClinGen allele CA5444879.